The following is an entry in ClinVar:

ClinVar aggregate classification (germline): Uncertain significance (1 of 4 stars; one submission).

Submission:

Labcorp Genetics (formerly Invitae), Labcorp
Classification: Uncertain significance. Last evaluated: 2022-08-12. Review status: criteria provided, single submitter. Criteria: Invitae Variant Classification Sherloc (09022015). Collection method: clinical testing. Allele origin: germline.
Comment: This sequence change replaces proline, which is neutral and non-polar, with leucine, which is neutral and non-polar, at codon 760 of the NSUN2 protein (p.Pro760Leu). This variant is present in population databases (rs61744358, gnomAD 0.02%). This variant has not been reported in the literature in individuals affected with NSUN2-related conditions. Algorithms developed to predict the effect of missense changes on protein structure and function output the following: SIFT: "Tolerated"; PolyPhen-2: "Benign"; Align-GVGD: "Class C0". The leucine amino acid residue is found in multiple mammalian species, which suggests that this missense change does not adversely affect protein function. In summary, the available evidence is currently insufficient to determine the role of this variant in disease. Therefore, it has been classified as a Variant of Uncertain Significance.

NM_017755.6(NSUN2):c.2279C>T (p.Pro760Leu)

Gene: NSUN2 (NOP2/Sun RNA methyltransferase 2; minus strand). Cytogenetic location: 5p15.31.
Variant type: single nucleotide variant.
Coding change: c.2279C>T on transcript NM_017755.6 (MANE Select); coding-DNA position 2279, C replaced by T.
Protein change: p.Pro760Leu; replaces proline 760 with leucine.
Molecular consequence: missense variant. On other transcripts: non-coding transcript variant (1).
Genome position (GRCh38, 1-based): chr5:6,599,951, G>A on the plus strand (C>T on the coding strand, the complement: NSUN2 is on the minus strand). VCF-style: chr5-6599951-G-A. GRCh37 (hg19) VCF-style: chr5-6600064-G-A.
Other names: c.2174C>T, p.Pro725Leu (NM_001193455.2); short protein forms P760L, P725L.
Identifiers: ClinVar variation 1978814 (VCV001978814.1), dbSNP rs61744358, ClinGen allele CA3192132.
Genomic context (GRCh38, chr5:6,599,951, plus strand): 5'-GTGAGGGGTGTGGGCCCCCGCTGCCTTGGGCCTGCTCACCGGGGTGGATGGACCCCCGCC[G>A]GGTCACAGCCTGCTGTCACGTCTGGACTGTTGGCCTCTTCTGCATCTGGGCTGTTGGGCT-3'
Protein context (NP_060225.4, residues 750-767): NSPDVTAGCD[Pro760Leu]AGVHPPR